The following is an entry in ClinVar:

ClinVar aggregate classification (germline): Uncertain significance (1 of 4 stars; one submission).

Conditions:
Hereditary cancer-predisposing syndrome. Also called: Tumor predisposition; Neoplastic Syndromes, Hereditary; Hereditary neoplastic syndrome; Hereditary Cancer Syndrome. Identifiers: Orphanet 140162, MedGen C0027672, MeSH D009386, MONDO:0015356.

Submission:

Ambry Genetics
Classification: Uncertain significance for Hereditary cancer-predisposing syndrome. Last evaluated: 2024-09-12. Review status: criteria provided, single submitter. Criteria: Ambry Variant Classification Scheme 2023. Collection method: clinical testing. Allele origin: germline.
Comment: The p.K964I variant (also known as c.2891A>T), located in coding exon 25 of the TSC2 gene, results from an A to T substitution at nucleotide position 2891. The lysine at codon 964 is replaced by isoleucine, an amino acid with dissimilar properties. This amino acid position is conserved. In addition, the in silico prediction for this alteration is inconclusive. Based on the available evidence, the clinical significance of this variant remains unclear.

NM_000548.5(TSC2):c.2891A>T (p.Lys964Ile)

Gene: TSC2 (TSC complex subunit 2; plus strand). Cytogenetic location: 16p13.3.
Variant type: single nucleotide variant.
Coding change: c.2891A>T on transcript NM_000548.5 (MANE Select); coding-DNA position 2891, A replaced by T.
Protein change: p.Lys964Ile; replaces lysine 964 with isoleucine.
Molecular consequence: missense variant. On other transcripts: intron variant (31).
Genome position (GRCh38, 1-based): chr16:2,077,651, A>T. VCF-style: chr16-2077651-A-T. GRCh37 (hg19) VCF-style: chr16-2127652-A-T.
Other names: c.2891A>T, p.Lys964Ile (NM_001114382.3, NM_001406663.1, NM_001406664.1); c.2780A>T, p.Lys927Ile (NM_001406670.1); c.2744A>T, p.Lys915Ile (NM_001406675.1, NM_001406676.1); c.2291A>T, p.Lys764Ile (NM_001406680.1, NM_001406682.1, NM_001406683.1 and 1 more transcripts); c.1547A>T, p.Lys516Ile (NM_001406689.1); c.1493+1066A>T (NM_001406693.1, NM_001406690.1, NM_001406692.1 and 5 more transcripts); c.2927+1066A>T (NM_001406667.1, NM_001406668.1); c.2237+1066A>T (NM_001406687.1, NM_001406685.1, NM_001318831.2 and 2 more transcripts); and 8 more; short protein forms K915I, K964I, K516I, K764I, K927I.
Identifiers: ClinVar variation 3462622 (VCV003462622.1).